The following is an entry in ClinVar:

ClinVar aggregate classification (germline): Pathogenic. Review status: criteria provided, multiple submitters, no conflicts (2 of 4 stars). 10 submissions from 10 submitters: Pathogenic (9). 1 of the submissions does not count toward it. Last evaluated 2025-12-28.

Conditions:
RET-related disorder. Also called: RET-related disorders; RET-related condition; RET-related disease.
Hereditary cancer-predisposing syndrome. Also called: Neoplastic Syndromes, Hereditary; Hereditary neoplastic syndrome; Tumor predisposition; Hereditary Cancer Syndrome. Identifiers: Orphanet 140162, MedGen C0027672, MeSH D009386, MONDO:0015356.
Multiple endocrine neoplasia, type 2 (MEN2). Identifiers: Orphanet 653, MedGen C4048306, MONDO:0019003. Disease mechanism: gain of function.
Multiple endocrine neoplasia type 2A. Also called: Multiple Endocrine Neoplasia Type 2A (MEN2A); MULTIPLE ENDOCRINE NEOPLASIA, TYPE IIA; PTC SYNDROME; SIPPLE SYNDROME; MEN 2A; MEN-2A syndrome. Identifiers: Orphanet 247698, Orphanet 653, MedGen C0025268, MeSH D018813, MONDO:0008234, OMIM 171400.
Hirschsprung disease, susceptibility to, 1 (HSCR1). Also called: RET-Related Hirschsprung Disease. Identifiers: Orphanet 388, MedGen C3888239, MONDO:0007723, OMIM 142623.

Submissions (10):

Labcorp Genetics (formerly Invitae), Labcorp
Classification: Pathogenic for Multiple endocrine neoplasia, type 2. Last evaluated: 2025-12-28. Review status: criteria provided, single submitter. Criteria: Invitae Variant Classification Sherloc (09022015). Collection method: clinical testing. Allele origin: germline.
Comment: This sequence change replaces cysteine, which is neutral and slightly polar, with serine, which is neutral and polar, at codon 618 of the RET protein (p.Cys618Ser). This variant is present in population databases (rs76262710, gnomAD 0.0009%). A different variant (c.1853G>C) giving rise to the same protein effect has been determined to be pathogenic (PMID: 7849720, 7915165, 9384613, 9498388, 9839497, 15858153, 20119574, 20979234, 21765987, 22068382). This suggests that this variant is also likely to be causative of disease. It has also been observed to segregate with disease in related individuals. ClinVar contains an entry for this variant (Variation ID: 38601). An algorithm developed to predict the effect of missense changes on protein structure and function (PolyPhen-2) suggests that this variant is likely to be tolerated. Experimental studies have shown that this missense change affects RET function (PMID: 7824936, 9174404, 9230192, 9879991). This variant disrupts the p.Cys618 amino acid residue in RET. Other variant(s) that disrupt this residue have been determined to be pathogenic (PMID: 7915165, 9384613, 9498388, 9839497, 20979234). This suggests that this residue is clinically significant, and that variants that disrupt this residue are likely to be disease-causing. For these reasons, this variant has been classified as Pathogenic.

Genomic Medicine Center of Excellence, King Faisal Specialist Hospital and Research Centre
Classification: Pathogenic for Hirschsprung disease, susceptibility to, 1. Last evaluated: 2024-12-19. Review status: criteria provided, single submitter. Criteria: ACMG Guidelines, 2015. Collection method: clinical testing. Allele origin: germline.

All of Us Research Program, National Institutes of Health
Classification: Pathogenic for Multiple endocrine neoplasia, type 2. Last evaluated: 2024-09-13. Review status: criteria provided, single submitter. Criteria: ACMG Guidelines, 2015. Collection method: clinical testing. Allele origin: germline. Inheritance: Autosomal dominant inheritance. Observed: 2 variant alleles, 2 heterozygotes.
Comment: This c.1852T>A (p.Cys618Ser) variant of the RET gene has been reported in multiple individuals and several families affected with familial medullary thyroid cancer (FMTC) and multiple endocrine neoplasia type 2A (PMID: 7849720, 20119574, 22068382, 21765987, 15858153, 20979234). It has been reported to segregate with the disease in families (PMID: 20119574, 22068382, 15858153, 20979234). This variant is rare (1/249068) in the general population database (gnomAD). This variant is predicted to be deleterious by REVEL. Experimental studies have shown that several amino acid substitutions at this position, including p.Cys618Ser, have transforming activity in cell culture and result in intracellular retention and reduced cell surface expression of RET (PMID: 9230192). Another variant, c.1853G>C (p.Cys618Ser) with a different nucleotide change but resulting in the same protein change observed here, has been reported in individuals and families affected with medullary thyroid carcinoma (MTC) and multiple endocrine neoplasia type 2A (PMID: 7915165, 9498388,9839497, 9384613, 20979234). Therefore, the c.1852T>A (p.Cys618Ser) variant of RET gene is classified as pathogenic.

This study involves interpretation of variants in research participants for the purpose of population health screening. Participant phenotype was not available at the time of variant classification. Additional details can be found in publication PMID: 35346344, PMCID: PMC8962531

Ambry Genetics
Classification: Pathogenic for Hereditary cancer-predisposing syndrome. Last evaluated: 2024-05-20. Review status: criteria provided, single submitter. Criteria: Ambry Variant Classification Scheme 2023. Collection method: clinical testing. Allele origin: germline.
Comment: The p.C618S pathogenic mutation (also known as c.1852T>A), located in coding exon 10 of the RET gene, results from a T to A substitution at nucleotide position 1852. The cysteine at codon 618 is replaced by serine, an amino acid with dissimilar properties. This alteration has been identified in multiple endocrine neoplasia type 2A (MEN2A) and familial medullary thyroid carcinoma (FMTC) patients and families (Qi XP et al. Fam. Cancer. 2012 Mar;11(1):131-6; Jung J et al. Korean Med. Sci. 2010 Feb;25(2):226-9; Margraf R et al. Hum Mutat. 2009 Apr;30(4):548-56; Schuffenecker I et al. Hum Mol Genet. 1994 Nov;3(11):1939-43). This alteration had been identified in two families in the literature presenting with a clinical diagnosis of MEN2A/FMTC and Hirschsprung disease (Decker RA et al. Hum Mol Genet, 1998 Jan;7:129-34). This mutation has been classified as conferring "moderate risk" for MTC by the American Thyroid Association (Wells SA et al. Thyroid 2015 Jun; 25(6):567-610). This amino acid position is highly conserved in available vertebrate species. In addition, this alteration is predicted to be deleterious by in silico analysis. Based on the supporting evidence, this alteration is pathogenic for MEN2; however, the association of this alteration with Hirschsprung disease is unknown.

Laboratory of Molecular and Cytogenetics, Department of Anatomy, All India Institute of Medical Sciences (AIIMS)
Classification: Pathogenic for Multiple endocrine neoplasia type 2A. Last evaluated: 2023-05-21. Review status: criteria provided, single submitter. Criteria: ACMG Guidelines, 2015. Collection method: clinical testing. Allele origin: germline. Affected: yes. Observed: 1 variant allele.

Women's Health and Genetics/Laboratory Corporation of America, LabCorp
Classification: Pathogenic for Multiple endocrine neoplasia type 2A. Last evaluated: 2023-05-15. Review status: criteria provided, single submitter. Criteria: LabCorp Variant Classification Summary - May 2015. Collection method: clinical testing. Allele origin: germline.
Comment: Variant summary: RET c.1852T>A (p.Cys618Ser) results in a non-conservative amino acid change in the encoded protein sequence. Five of five in-silico tools predict a damaging effect of the variant on protein function. Other variants at the same codon (p.Cys618Arg, p.Cys618Gly, p.Cys618Phe) have been reported in association with Multiple Endocrine Neoplasia and this codon is considered a well known hotspot suggestive of the critical relevance of this residue to RET protein function. The variant allele was found at a frequency of 4e-06 in 249068 control chromosomes. c.1852T>A has been reported in the literature in multiple individuals affected with features of Multiple Endocrine Neoplasia Type 2A (example, Decker_1998, Siegelman_1997, Biaugrand_1994, Borst_1995, Ahmed_2005). These data indicate that the variant is very likely to be associated with disease. The American Thyroid Association reports this variant as associated with an increased risk for medullary thyroid cancer and pheochromocytoma (Kloos_2009). The following publications have been ascertained in the context of this evaluation (PMID: 15858153, 7849720, 7716719, 9498388, 9230192, 9068588, 9824583, 16849421, 17590169, 17605401, 19469690). Three clinical diagnostic laboratories have submitted clinical-significance assessments for this variant to ClinVar after 2014 and classified the variant as pathogenic. Based on the evidence outlined above, the variant was classified as pathogenic.

Blueprint Genetics
Classification: Pathogenic for RET-related disorders. Last evaluated: 2022-06-30. Review status: criteria provided, single submitter. Criteria: ACMG Guidelines, 2015. Collection method: clinical testing. Allele origin: germline. Affected: yes. Observed: 4 variant alleles.

Mayo Clinic Laboratories, Mayo Clinic
Classification: Pathogenic. Last evaluated: 2022-05-03. Review status: criteria provided, single submitter. Criteria: ACMG Guidelines, 2015. Collection method: clinical testing. Allele origin: germline. Observed: 1 variant allele.
Comment: PP1_strong, PP3, PP4, PM1, PM2, PM5

GeneDx
Classification: Pathogenic. Last evaluated: 2021-10-18. Review status: criteria provided, single submitter. Criteria: GeneDx Variant Classification Process June 2021. Collection method: clinical testing. Allele origin: germline. Affected: yes.
Comment: Not observed at a significant frequency in large population cohorts (Lek 2016); In silico analysis supports that this missense variant has a deleterious effect on protein structure/function; This variant is associated with the following publications: (PMID: 20979234, 9384613, 7849720, 22199277, 20119574, 21765987, 8557249, 12734540, 18063059, 18062802, 15858153, 22068382, 9003111, 15588376, 26254625, 9699127, 27277749, 20516206, 9498388, 26758973, 7716719, 7874109, 8849576, 31471357, 31510104, 14633923)

PreventionGenetics, part of Exact Sciences
Classification: Pathogenic for RET-related condition. Last evaluated: 2023-11-04. Review status: no assertion criteria provided. Collection method: clinical testing. Allele origin: germline. Not counted in ClinVar's aggregate classification.
Comment: The RET c.1852T>A variant is predicted to result in the amino acid substitution p.Cys618Ser. This variant was reported in patients with multiple endocrine dysplasia type 2A and familial medullary thyroid carcinoma (Blaugrund et al. 1994. PubMed ID: 7849720; Jung et al. 2010. PubMed ID: 20119574; Romei et al. 2010. PubMed ID: 20516206; Hedayati et al. 2011. PubMed ID: 21765987; Qi et al. 2012. PubMed ID: 22068382). Of note, several missense variants affecting the same amino acid (p.Cys618Arg, p.Cys618Gly, p.Cys618Tyr, p.Cys618Phe) have also been reported to be pathogenic for multiple endocrine dysplasia type 2A and familial medullary thyroid cancer (HGMD database; Romei et al. 2010. PubMed ID: 20516206). This variant is reported in 0.00089% of alleles in individuals of European (Non-Finnish) descent in gnomAD and is interpreted as pathogenic in ClinVar. This variant is interpreted as pathogenic.

Literature cited by the submitters: PubMed 7849720 (cited by 4 submitters); PubMed 7915165 (cited by Labcorp Genetics (formerly Invitae), Labcorp and All of Us Research Program, National Institutes of Health); PubMed 9384613 (cited by 3 submitters); PubMed 9498388 (cited by 3 submitters); PubMed 9839497 (cited by Labcorp Genetics (formerly Invitae), Labcorp and All of Us Research Program, National Institutes of Health); PubMed 15858153 (cited by 3 submitters); PubMed 20119574 (cited by 3 submitters); PubMed 20979234 (cited by Labcorp Genetics (formerly Invitae), Labcorp and All of Us Research Program, National Institutes of Health); PubMed 21765987 (cited by 3 submitters); PubMed 22068382 (cited by 3 submitters); PubMed 7824936 (cited by Labcorp Genetics (formerly Invitae), Labcorp); PubMed 9174404 (cited by Labcorp Genetics (formerly Invitae), Labcorp); PubMed 9230192 (cited by 3 submitters); PubMed 9879991 (cited by Labcorp Genetics (formerly Invitae), Labcorp); PubMed 19177457 (cited by Ambry Genetics); PubMed 19469690 (cited by Ambry Genetics and Women's Health and Genetics/Laboratory Corporation of America, LabCorp); PubMed 25810047 (cited by Ambry Genetics); PubMed 7874109 (cited by Ambry Genetics); PubMed 7716719 (cited by Women's Health and Genetics/Laboratory Corporation of America, LabCorp); PubMed 9068588 (cited by Women's Health and Genetics/Laboratory Corporation of America, LabCorp); PubMed 9824583 (cited by Women's Health and Genetics/Laboratory Corporation of America, LabCorp); PubMed 16849421 (cited by Women's Health and Genetics/Laboratory Corporation of America, LabCorp); PubMed 17590169 (cited by Women's Health and Genetics/Laboratory Corporation of America, LabCorp); PubMed 17605401 (cited by Women's Health and Genetics/Laboratory Corporation of America, LabCorp).

NM_020975.6(RET):c.1852T>A (p.Cys618Ser)

Gene: RET (ret proto-oncogene; plus strand). Cytogenetic location: 10q11.21.
Variant type: single nucleotide variant.
Coding change: c.1852T>A on transcript NM_020975.6 (MANE Select); coding-DNA position 1852, T replaced by A.
Protein change: p.Cys618Ser; replaces cysteine 618 with serine.
Molecular consequence: missense variant.
Genome position (GRCh38, 1-based): chr10:43,113,648, T>A. VCF-style: chr10-43113648-T-A. GRCh37 (hg19) VCF-style: chr10-43609096-T-A.
Other names: p.C618S:TGC>AGC; c.1852T>A, p.Cys618Ser (NM_000323.2, NM_001406743.1, NM_001406744.1 and 6 more transcripts); c.1090T>A, p.Cys364Ser (NM_001355216.2); c.1723T>A, p.Cys575Ser (NM_001406761.1, NM_001406762.1, NM_001406764.1 and 1 more transcripts); c.1564T>A, p.Cys522Ser (NM_001406766.1, NM_001406767.1, NM_001406770.1); c.1456T>A, p.Cys486Ser (NM_001406769.1, NM_001406772.1); c.1414T>A, p.Cys472Ser (NM_001406771.1, NM_001406773.1); c.1327T>A, p.Cys443Ser (NM_001406774.1); and 6 more; short protein forms C618S, C364S, C472S, C522S, C575S, C319S, C486S, C223S.
Identifiers: ClinVar variation 38601 (VCV000038601.32), dbSNP rs76262710, ClinGen allele CA007974.